The following is an entry in ClinVar:

ClinVar aggregate classification (germline): Uncertain significance (1 of 4 stars; one submission).

Conditions:
Inborn genetic diseases. Identifiers: MedGen C0950123, MeSH D030342.

Submission:

Ambry Genetics
Classification: Uncertain significance for Inborn genetic diseases. Last evaluated: 2026-05-19. Review status: criteria provided, single submitter. Criteria: Ambry Variant Classification Scheme 2023. Collection method: clinical testing. Allele origin: germline.
Comment: The c.450+1G>C intronic variant consists of a G to C substitution one nucleotide(s) after exon 4 (coding exon 4) of the TCF7L2 gene. Variants that disrupt the canonical splice site are expected to result in aberrant splicing. The resulting transcript is predicted to be in-frame and is not expected to trigger nonsense-mediated mRNA decay, although direct evidence is unavailable. This variant was not reported in population-based cohorts in the Genome Aggregation Database (gnomAD). This nucleotide position is highly conserved in available vertebrate species. In silico splice site analysis predicts that this alteration may result in the creation or strengthening of a novel splice donor site. Based on insufficient or conflicting evidence, the clinical significance of this alteration remains unclear.

NM_001367943.1(TCF7L2):c.450+1G>C

Gene: TCF7L2 (transcription factor 7 like 2; plus strand). Cytogenetic location: 10q25.2.
Variant type: single nucleotide variant.
Coding change: c.450+1G>C on transcript NM_001367943.1 (MANE Select); the canonical splice donor site of the intron after coding-DNA position 450, G replaced by C.
Molecular consequence: splice donor variant. On other transcripts: intron variant (11).
Genome position (GRCh38, 1-based): chr10:112,964,625, G>C. VCF-style: chr10-112964625-G-C. GRCh37 (hg19) VCF-style: chr10-114724384-G-C.
Other names: c.450+1G>C (NM_001363501.2, NM_001146274.2, NM_001198531.2); c.381+13018G>C (NM_001146283.2, NM_001198525.2, NM_001198528.2 and 8 more transcripts).
Identifiers: ClinVar variation 4865389 (VCV004865389.1).